The following is an entry in ClinVar:

NM_014908.4(DOLK):c.210C>G (p.Val70=)

Gene: DOLK (dolichol kinase; minus strand). Cytogenetic location: 9q34.11.
Variant type: single nucleotide variant.
Coding change: c.210C>G on transcript NM_014908.4 (MANE Select); coding-DNA position 210, C replaced by G.
Protein change: p.Val70=; no amino-acid change (valine 70 retained).
Molecular consequence: synonymous variant.
Genome position (GRCh38, 1-based): chr9:128,947,094, G>C on the plus strand (C>G on the coding strand, the complement: DOLK is on the minus strand). VCF-style: chr9-128947094-G-C. GRCh37 (hg19) VCF-style: chr9-131709373-G-C.
Identifiers: ClinVar variation 671108 (VCV000671108.15), dbSNP rs750368652, ClinGen allele CA5271780.
Genomic context (GRCh38, chr9:128,947,094, plus strand): 5'-CAAAGGCATGACCATGGAGGCGGGCAATAGGCCACTGTTTGCGGACATTCGGAACTGGAA[G>C]ACGGCGCTTCCCTGCTGTAGCAGCCGGTCCCACTTGTATTGGACGTAGAAGGCCTGCACT-3'
Protein context (NP_055723.1, residues 60-80): WDRLLQQGSA[Val70=]FQFRMSANSG

ClinVar aggregate classification (germline): Conflicting classifications of pathogenicity. Review status: criteria provided, conflicting classifications (1 of 4 stars). 4 submissions from 4 submitters: Uncertain significance (1); Likely benign (3). Last evaluated 2024-02-12.

Conditions:
Cardiovascular phenotype. Identifiers: MedGen CN230736.
DK1-congenital disorder of glycosylation. Also called: CDG Im; DK1 DEFICIENCY; DOLICHOL KINASE DEFICIENCY; CONGENITAL DISORDER OF GLYCOSYLATION, TYPE Im; DOLK-congenital disorder of glycosylation; Carbohydrate deficient glycoprotein syndrome type 1m. Identifiers: Orphanet 91131, MedGen C1835849, MONDO:0012556, OMIM 610768.

Allele frequency attached by ClinVar (database versions not stated): gnomAD 0.00001; TOPMed 0.00001; gnomAD exomes 0.00006; ExAC 0.00008.

Submissions (4):

Ambry Genetics
Classification: Likely benign for Cardiovascular phenotype. Last evaluated: 2024-02-12. Review status: criteria provided, single submitter. Criteria: Ambry Variant Classification Scheme 2023. Collection method: clinical testing. Allele origin: germline.

Labcorp Genetics (formerly Invitae), Labcorp
Classification: Likely benign for DK1-congenital disorder of glycosylation. Last evaluated: 2022-09-27. Review status: criteria provided, single submitter. Criteria: Invitae Variant Classification Sherloc (09022015). Collection method: clinical testing. Allele origin: germline.

GeneDx
Classification: Likely benign. Last evaluated: 2018-06-11. Review status: criteria provided, single submitter. Criteria: GeneDx Variant Classification (06012015). Collection method: clinical testing. Allele origin: germline. Affected: yes.
Comment: This variant is considered likely benign or benign based on one or more of the following criteria: it is a conservative change, it occurs at a poorly conserved position in the protein, it is predicted to be benign by multiple in silico algorithms, and/or has population frequency not consistent with disease.

Illumina Laboratory Services, Illumina
Classification: Uncertain significance for DK1-congenital disorder of glycosylation. Last evaluated: 2018-01-13. Review status: criteria provided, single submitter. Criteria: ICSL Variant Classification Criteria 13 December 2019. Collection method: clinical testing. Allele origin: germline.